The following is an entry in ClinVar:

NM_001365951.3(KIF1B):c.655G>T (p.Ala219Ser)

Gene: KIF1B (kinesin family member 1B; plus strand). Cytogenetic location: 1p36.22.
Variant type: single nucleotide variant.
Coding change: c.655G>T on transcript NM_001365951.3 (MANE Select); coding-DNA position 655, G replaced by T.
Protein change: p.Ala219Ser; replaces alanine 219 with serine.
Molecular consequence: missense variant.
Genome position (GRCh38, 1-based): chr1:10,268,198, G>T. VCF-style: chr1-10268198-G-T. GRCh37 (hg19) VCF-style: chr1-10328256-G-T.
Other names: c.655G>T, p.Ala219Ser (NM_001365952.1, NM_001365953.1, NM_015074.3 and 1 more transcripts); short protein forms A219S.
Identifiers: ClinVar variation 1754197 (VCV001754197.5), dbSNP rs1197079538, ClinGen allele CA338330357.

ClinVar aggregate classification (germline): Uncertain significance. Review status: criteria provided, multiple submitters, no conflicts (2 of 4 stars). 2 submissions from 2 submitters: Uncertain significance (2). Last evaluated 2023-02-22.

Conditions:
Charcot-Marie-Tooth disease type 2. Also called: Charcot-Marie-Tooth type 2. Identifiers: Orphanet 64746, MedGen C0270914, MONDO:0018993.

gnomAD v4.1: 2 of 1,613,988 alleles (0.00012%); highest among the groups gnomAD compares: Non-Finnish European, 0.000085%; no homozygotes.

Submissions (2):

Labcorp Genetics (formerly Invitae), Labcorp
Classification: Uncertain significance for Charcot-Marie-Tooth disease type 2. Last evaluated: 2023-02-22. Review status: criteria provided, single submitter. Criteria: Invitae Variant Classification Sherloc (09022015). Collection method: clinical testing. Allele origin: germline.
Comment: ClinVar contains an entry for this variant (Variation ID: 1754197). This variant has not been reported in the literature in individuals affected with KIF1B-related conditions. This variant is present in population databases (no rsID available, gnomAD 0.004%). This sequence change replaces alanine, which is neutral and non-polar, with serine, which is neutral and polar, at codon 219 of the KIF1B protein (p.Ala219Ser). Advanced modeling of protein sequence and biophysical properties (such as structural, functional, and spatial information, amino acid conservation, physicochemical variation, residue mobility, and thermodynamic stability) performed at Invitae indicates that this missense variant is not expected to disrupt KIF1B protein function. In summary, the available evidence is currently insufficient to determine the role of this variant in disease. Therefore, it has been classified as a Variant of Uncertain Significance.

Ambry Genetics
Classification: Uncertain significance. Last evaluated: 2022-05-27. Review status: criteria provided, single submitter. Criteria: Ambry Variant Classification Scheme 2023. Collection method: clinical testing. Allele origin: germline.
Comment: The p.A219S variant (also known as c.655G>T), located in coding exon 6 of the KIF1B gene, results from a G to T substitution at nucleotide position 655. The alanine at codon 219 is replaced by serine, an amino acid with similar properties. This amino acid position is highly conserved in available vertebrate species. In addition, the in silico prediction for this alteration is inconclusive. Since supporting evidence is limited at this time, the clinical significance of this alteration remains unclear.